The following is an entry in ClinVar:

NM_001205293.3(CACNA1E):c.6718C>A (p.His2240Asn)

Gene: CACNA1E (calcium voltage-gated channel subunit alpha1 E; plus strand). Cytogenetic location: 1q25.3.
Variant type: single nucleotide variant.
Coding change: c.6718C>A on transcript NM_001205293.3 (MANE Select); coding-DNA position 6718, C replaced by A.
Protein change: p.His2240Asn; replaces histidine 2240 with asparagine.
Molecular consequence: missense variant.
Genome position (GRCh38, 1-based): chr1:181,798,610, C>A. VCF-style: chr1-181798610-C-A. GRCh37 (hg19) VCF-style: chr1-181767746-C-A.
Other names: c.6589C>A, p.His2197Asn (NM_000721.4); c.6532C>A, p.His2178Asn (NM_001205294.2); short protein forms H2178N, H2197N, H2240N.
Identifiers: ClinVar variation 1312454 (VCV001312454.2), dbSNP rs2102912209, ClinGen allele CA343845370.
Genomic context (GRCh38, chr1:181,798,610, plus strand): 5'-CAACATGCCTCCCCACAGCGCTACATCTCCGAGCCCTACTTGGCCCTGCACGAAGACTCC[C>A]ACGCCTCAGACTGTGGTGAGGAGGAGACGCTCACTTTCGAAGCAGCCGTGGCTACTAGCC-3'
Protein context (NP_001192222.1, residues 2230-2250): EPYLALHEDS[His2240Asn]ASDCGEEETL

ClinVar aggregate classification (germline): Uncertain significance (1 of 4 stars; one submission).

Submission:

GeneDx
Classification: Uncertain significance. Last evaluated: 2019-10-01. Review status: criteria provided, single submitter. Criteria: GeneDx Variant Classification Process June 2021. Collection method: clinical testing. Allele origin: germline. Affected: yes.
Comment: Not observed in large population cohorts (Lek et al., 2016); In silico analysis, which includes protein predictors and evolutionary conservation, supports that this variant does not alter protein structure/function; Has not been previously published as pathogenic or benign to our knowledge